The following is an entry in ClinVar:

ClinVar aggregate classification (germline): Uncertain significance (1 of 4 stars; one submission).

gnomAD v4.1: 10 of 1,613,664 alleles (0.00062%); highest among the groups gnomAD compares: Non-Finnish European, 0.00085%; no homozygotes.

Submission:

Labcorp Genetics (formerly Invitae), Labcorp
Classification: Uncertain significance. Last evaluated: 2025-09-25. Review status: criteria provided, single submitter. Criteria: Invitae Variant Classification Sherloc (09022015). Collection method: clinical testing. Allele origin: germline.
Comment: This sequence change replaces proline, which is neutral and non-polar, with threonine, which is neutral and polar, at codon 1927 of the COL7A1 protein (p.Pro1927Thr). This variant is not present in population databases (gnomAD no frequency). This variant has not been reported in the literature in individuals affected with COL7A1-related conditions. Invitae Evidence Modeling of protein sequence and biophysical properties (such as structural, functional, and spatial information, amino acid conservation, physicochemical variation, residue mobility, and thermodynamic stability) has been performed for this missense variant. However, the output from this modeling did not meet the statistical confidence thresholds required to predict the impact of this variant on COL7A1 protein function. In summary, the available evidence is currently insufficient to determine the role of this variant in disease. Therefore, it has been classified as a Variant of Uncertain Significance.

NM_000094.4(COL7A1):c.5779C>A (p.Pro1927Thr)

Gene: COL7A1 (collagen type VII alpha 1 chain; minus strand). Cytogenetic location: 3p21.31.
Variant type: single nucleotide variant.
Coding change: c.5779C>A on transcript NM_000094.4 (MANE Select); coding-DNA position 5779, C replaced by A.
Protein change: p.Pro1927Thr; replaces proline 1927 with threonine.
Molecular consequence: missense variant.
Genome position (GRCh38, 1-based): chr3:48,576,290, G>T on the plus strand (C>A on the coding strand, the complement: COL7A1 is on the minus strand). VCF-style: chr3-48576290-G-T. GRCh37 (hg19) VCF-style: chr3-48613723-G-T.
Other names: short protein forms P1927T.
Identifiers: ClinVar variation 4706277 (VCV004706277.1).